The following is an entry in ClinVar:

NM_024675.4(PALB2):c.3202-214GAA[2]

Gene: PALB2 (partner and localizer of BRCA2; minus strand). Cytogenetic location: 16p12.2.
Variant type: Microsatellite.
Coding change: c.3202-214GAA[2] on transcript NM_024675.4 (MANE Select); two copies in a row of the 3-base unit GAA starting at c.3202-214; the reference has three copies in a row; one copy, 3 bases deleted.
Molecular consequence: intron variant.
Genome position (GRCh38, 1-based): chr16:23,608,218-23,608,220, TTC deleted on the plus strand (GAA on the coding strand, the reverse complement: PALB2 is on the minus strand); deleting any 3 consecutive bases within chr16:23,608,218-23,608,228 gives the same sequence; the position shown is the placement nearest the transcript's 3' end. VCF-style (leftmost placement, unchanged base first): chr16-23608217-GTTC-G. GRCh37 (hg19) VCF-style: chr16-23619538-GTTC-G.
Identifiers: ClinVar variation 677745 (VCV000677745.1), dbSNP rs149585450, ClinGen allele CA279527773.

ClinVar aggregate classification (germline): Likely benign (1 of 4 stars; one submission).

Submission:

GeneDx
Classification: Likely benign. Last evaluated: 2018-06-15. Review status: criteria provided, single submitter. Criteria: GeneDx Variant Classification (06012015). Collection method: clinical testing. Allele origin: germline. Affected: yes.
Comment: This variant is considered likely benign or benign based on one or more of the following criteria: it is a conservative change, it occurs at a poorly conserved position in the protein, it is predicted to be benign by multiple in silico algorithms, and/or has population frequency not consistent with disease.